The following is an entry in ClinVar:

ClinVar aggregate classification (germline): Benign (1 of 4 stars; one submission).

Conditions:
Maturity-onset diabetes of the young (MODY). Also called: Maturity onset diabetes mellitus in young. Identifiers: Orphanet 552, MedGen C0342276, MONDO:0018911, HP:0004904.

Submission:

Clinical Genomics, Uppaluri K&H Personalized Medicine Clinic
Classification: Benign for Maturity-onset diabetes of the young. Review status: criteria provided, single submitter. Criteria: K & H Uppaluri Personalized Medicine Clinic Variant Classification & Assertion Criteria_Updated V.1. Collection method: research. Allele origin: unknown. Inheritance: Autosomal dominant inheritance.
Comment: Mutations in HNF1A gene can predispose to MODY3. It is associated with both micro and macrovascular complications of diabetes, especially cardiovascular complications. Associated with glucosuria. May respond well to sulfonylureas. However, more evidence is required to confer the association of this particular variant rs571084139 with MODY3.

Literature cited by the submitters: PubMed 31517624; PubMed 32395877; PubMed 35328643; PubMed 35673428.

NM_000545.8(HNF1A):c.*267T>G

Genes: C12orf43 (chromosome 12 open reading frame 43; minus strand), HNF1A (HNF1 homeobox A; plus strand). Cytogenetic location: 12q24.31.
Variant type: single nucleotide variant.
Coding change: c.*267T>G on transcript NM_000545.8 (MANE Select); 267 bases downstream of the stop codon, T replaced by G.
Molecular consequence: 3 prime UTR variant.
Genome position (GRCh38, 1-based): chr12:121,001,459, T>G. VCF-style: chr12-121001459-T-G. GRCh37 (hg19) VCF-style: chr12-121439262-T-G.
Other names: c.*2694A>C (NM_001286191.2, NM_001286196.2, NM_022895.3); c.*267T>G (NM_001306179.2, NM_001406915.1).
Identifiers: ClinVar variation 1727229 (VCV001727229.1), dbSNP rs571084139, ClinGen allele CA684427996.
Genomic context (GRCh38, chr12:121,001,459, plus strand): 5'-GGGGGTCGTGGAGAGCTAGGAGCAAAGCCTGTTCATGGCAGATGTAGGAGGGACTGTCGC[T>G]GCTTCGTGGGATACAGTCTTCTTACTTGGAACTGAAGGGGGCGGCCTATGACTTGGGCAC-3'